The following is an entry in ClinVar:

NM_001453.3(FOXC1):c.936C>T (p.Asn312=)

Gene: FOXC1 (forkhead box C1; plus strand). Cytogenetic location: 6p25.3.
Variant type: single nucleotide variant.
Coding change: c.936C>T on transcript NM_001453.3 (MANE Select); coding-DNA position 936, C replaced by T.
Protein change: p.Asn312=; no amino-acid change (asparagine 312 retained).
Molecular consequence: synonymous variant.
Genome position (GRCh38, 1-based): chr6:1,611,381, C>T. VCF-style: chr6-1611381-C-T. GRCh37 (hg19) VCF-style: chr6-1611616-C-T.
Other names: c.936C>T (NM_001453.2).
Identifiers: ClinVar variation 2730690 (VCV002730690.4), dbSNP rs773475860, ClinGen allele CA3614835.

ClinVar aggregate classification (germline): Likely benign. Review status: criteria provided, multiple submitters, no conflicts (2 of 4 stars). 2 submissions from 2 submitters: Likely benign (2). Last evaluated 2025-12-16.

Conditions:
Axenfeld-Rieger syndrome type 3 (RIEG3). Also called: AXENFELD-RIEGER ANOMALY WITH CARDIAC DEFECTS AND/OR SENSORINEURAL HEARING LOSS. Identifiers: Orphanet 782, MedGen C2678503, MONDO:0011233, OMIM 602482.
FOXC1-related disorder. Also called: FOXC1-related condition.

Allele frequency attached by ClinVar (database versions not stated): gnomAD exomes 0.00004; TOPMed 0.00005; gnomAD 0.00007; ExAC 0.00016.
gnomAD v4.1: 60 of 1,450,572 alleles (0.0041%); highest among the groups gnomAD compares: East Asian, 0.17%; no homozygotes.

Submissions (2):

Labcorp Genetics (formerly Invitae), Labcorp
Classification: Likely benign for Axenfeld-Rieger syndrome type 3. Last evaluated: 2025-12-16. Review status: criteria provided, single submitter. Criteria: Invitae Variant Classification Sherloc (09022015). Collection method: clinical testing. Allele origin: germline.

PreventionGenetics, part of Exact Sciences
Classification: Likely benign for FOXC1-related condition. Last evaluated: 2025-12-02. Review status: criteria provided, single submitter. Criteria: ACMG Guidelines, 2015. Collection method: clinical testing. Allele origin: germline.
Comment: This variant is classified as likely benign based on ACMG/AMP sequence variant interpretation guidelines (Richards et al. 2015 PMID: 25741868, with internal and published modifications).